The following is an entry in ClinVar:

NM_001110556.2(FLNA):c.3259C>G (p.Arg1087Gly)

Gene: FLNA (filamin A; minus strand). Cytogenetic location: Xq28.
Variant type: single nucleotide variant.
Coding change: c.3259C>G on transcript NM_001110556.2 (MANE Select); coding-DNA position 3259, C replaced by G.
Protein change: p.Arg1087Gly; replaces arginine 1087 with glycine.
Molecular consequence: missense variant.
Genome position (GRCh38, 1-based): chrX:154,360,536, G>C on the plus strand (C>G on the coding strand, the complement: FLNA is on the minus strand). VCF-style: chrX-154360536-G-C. GRCh37 (hg19) VCF-style: chrX-153588904-G-C.
Other names: c.3259C>G, p.Arg1087Gly (NM_001456.4); short protein forms R1087G.
Identifiers: ClinVar variation 1894719 (VCV001894719.5), dbSNP rs782518956, ClinGen allele CA415229154.
Genomic context (GRCh38, chrX:154,360,536, plus strand): 5'-GGCCCTCCACCGTCAGGCCCAGGCCACCTGTGCCGGCGCCCTTGGTGTCGATGGTGAAGC[G>C]GGCGGGGGAGCCCGCACTGCCTCCCTGCAGCCCCGGCCCAAACGCCTTCACCTGAGGGAA-3'
Protein context (NP_001104026.1, residues 1077-1097): LQGGSAGSPA[Arg1087Gly]FTIDTKGAGT

ClinVar aggregate classification (germline): Uncertain significance (1 of 4 stars; one submission).

Conditions:
Heterotopia, periventricular, X-linked dominant (PVNH1). Also called: PERIVENTRICULAR NODULAR HETEROTOPIA 4; HETEROTOPIA, PERIVENTRICULAR, 1; PERIVENTRICULAR NODULAR HETEROTOPIA 1; X-linked periventricular heterotopia. Identifiers: Orphanet 2149, Orphanet 82004, MedGen C1848213, MONDO:0010233, OMIM 300049.
Melnick-Needles syndrome (MNS). Also called: Melnick-Needles Syndrome (FLNA-MNS); MELNICK-NEEDLES OSTEODYSPLASTY; OSTEODYSPLASTY OF MELNICK AND NEEDLES. Identifiers: Orphanet 2484, MedGen C0025237, MONDO:0010650, OMIM 309350.
Frontometaphyseal dysplasia (FMD1). Identifiers: Orphanet 1826, MedGen C0265293, MONDO:0015942.
Oto-palato-digital syndrome, type II (OPD2). Also called: Otopalatodigital Syndrome Type 2 (FLNA-OPD2); FACIOPALATOOSSEOUS SYNDROME; OPD II SYNDROME; Otopalatodigital Syndrome, Type II. Identifiers: Orphanet 669, Orphanet 90652, MedGen C1844696, MONDO:0010571, OMIM 304120.

Submission:

Labcorp Genetics (formerly Invitae), Labcorp
Classification: Uncertain significance for Oto-palato-digital syndrome, type II; Heterotopia, periventricular, X-linked dominant; Frontometaphyseal dysplasia; Melnick-Needles syndrome. Last evaluated: 2025-05-22. Review status: criteria provided, single submitter. Criteria: Invitae Variant Classification Sherloc (09022015). Collection method: clinical testing. Allele origin: germline.
Comment: This sequence change replaces arginine, which is basic and polar, with glycine, which is neutral and non-polar, at codon 1087 of the FLNA protein (p.Arg1087Gly). This variant is not present in population databases (gnomAD no frequency). This variant has not been reported in the literature in individuals affected with FLNA-related conditions. ClinVar contains an entry for this variant (Variation ID: 1894719). Invitae Evidence Modeling of protein sequence and biophysical properties (such as structural, functional, and spatial information, amino acid conservation, physicochemical variation, residue mobility, and thermodynamic stability) indicates that this missense variant is not expected to disrupt FLNA protein function with a negative predictive value of 95%. In summary, the available evidence is currently insufficient to determine the role of this variant in disease. Therefore, it has been classified as a Variant of Uncertain Significance.